The following is an entry in ClinVar:

NM_006005.3(WFS1):c.1243_1251dup (p.Val415_Phe417dup)

Gene: WFS1 (wolframin ER transmembrane glycoprotein; plus strand). Cytogenetic location: 4p16.1.
Variant type: Duplication.
Coding change: c.1243_1251dup on transcript NM_006005.3 (MANE Select); coding-DNA positions 1243 to 1251, 9 bases duplicated (GTCATCTTC; older notation c.1243_1251dupGTCATCTTC).
Protein change: p.Val415_Phe417dup.
Molecular consequence: inframe insertion.
Genome position (GRCh38, 1-based): chr4:6,301,038-6,301,046, GTCATCTTC duplicated; duplicating any 9 consecutive bases within chr4:6,301,033-6,301,046 gives the same sequence; the c. name uses the placement nearest the transcript's 3' end. VCF-style (leftmost placement, unchanged base first): chr4-6301032-T-TTCTTCGTCA. GRCh37 (hg19) VCF-style: chr4-6302759-T-TTCTTCGTCA.
Other names: c.1243_1251dup, p.Val415_Phe417dup (NM_001145853.1).
Identifiers: ClinVar variation 1321081 (VCV001321081.2), dbSNP rs2109125562, ClinGen allele CA2573052346.

ClinVar aggregate classification (germline): Uncertain significance (1 of 4 stars; one submission).

Submission:

GeneDx
Classification: Uncertain significance. Last evaluated: 2019-05-15. Review status: criteria provided, single submitter. Criteria: GeneDx Variant Classification Process June 2021. Collection method: clinical testing. Allele origin: germline. Affected: yes.
Comment: Not observed in large population cohorts (Lek et al., 2016); In-frame duplication of 3 amino acids in a non-repeat region; Has not been previously published as pathogenic or benign to our knowledge